The following is an entry in ClinVar:

ClinVar aggregate classification (germline): Benign/Likely benign. Review status: criteria provided, multiple submitters, no conflicts (2 of 4 stars). 3 submissions from 2 submitters: Benign (2); Likely benign (1). Last evaluated 2018-01-13.

Conditions:
Sacral defect with anterior meningocele. Identifiers: MedGen C1838568, OMIM 600145.
Neural tube defect (NTD). Also called: Neural tube defects. Identifiers: Orphanet 3388, Orphanet 823, MedGen C0027794, MONDO:0018075, HP:0045005.

Allele frequency attached by ClinVar (database versions not stated): gnomAD exomes 0.11538; gnomAD 0.16607 and 0.16812; TOPMed 0.16625; 1000 Genomes Project 0.17552; 1000 Genomes Project 30x 0.18379.
gnomAD v4.1: 25,188 of 152,178 alleles (17%); highest among the groups gnomAD compares: African/African-American, 23%; 2,247 homozygotes.

Submissions (3):

Illumina Laboratory Services, Illumina
Classification: Benign for Neural tube defects, susceptibility to. Last evaluated: 2018-01-13. Review status: criteria provided, single submitter. Criteria: ICSL Variant Classification Criteria 13 December 2019. Collection method: clinical testing. Allele origin: germline.
Comment: This variant was observed in the ICSL laboratory as part of a predisposition screen in an ostensibly healthy population. It had not been previously curated by ICSL or reported in the Human Gene Mutation Database (HGMD: prior to June 1st, 2018), and was therefore a candidate for classification through an automated scoring system. Utilizing variant allele frequency, disease prevalence and penetrance estimates, and inheritance mode, an automated score was calculated to assess if this variant is too frequent to cause the disease. Based on the score and internal cut-off values, a variant classified as benign is not then subjected to further curation. The score for this variant resulted in a classification of benign for this disease.

Illumina Laboratory Services, Illumina
Classification: Benign for Sacral defect with anterior meningocele. Last evaluated: 2018-01-13. Review status: criteria provided, single submitter. Criteria: ICSL Variant Classification Criteria 13 December 2019. Collection method: clinical testing. Allele origin: germline.
Comment: the same text as in the submission from Illumina Laboratory Services, Illumina above.

Breakthrough Genomics
Classification: Likely benign. Review status: criteria provided, single submitter. Criteria: ACMG Guidelines, 2015. Collection method: not provided. Allele origin: germline. Inheritance: Autosomal dominant inheritance. Affected: yes.

NM_138959.3(VANGL1):c.*4504C>T

Gene: VANGL1 (VANGL planar cell polarity protein 1; plus strand). Cytogenetic location: 1p13.1.
Variant type: single nucleotide variant.
Coding change: c.*4504C>T on transcript NM_138959.3 (MANE Select); 4504 bases downstream of the stop codon, C replaced by T.
Molecular consequence: 3 prime UTR variant.
Genome position (GRCh38, 1-based): chr1:115,695,883, C>T. VCF-style: chr1-115695883-C-T. GRCh37 (hg19) VCF-style: chr1-116238504-C-T.
Other names: c.*4504C>T (NM_001172411.2, NM_001172412.2).
Identifiers: ClinVar variation 292076 (VCV000292076.8), dbSNP rs17034228, ClinGen allele CA10607686.